The following is an entry in ClinVar:

ClinVar aggregate classification (germline): Uncertain significance (1 of 4 stars; one submission).

Allele frequency attached by ClinVar (database versions not stated): gnomAD exomes below 0.00001.
gnomAD v4.1: 1 of 1,613,354 alleles (0.000062%); highest among the groups gnomAD compares: Admixed American, 0.0017%; no homozygotes.

Submission:

Labcorp Genetics (formerly Invitae), Labcorp
Classification: Uncertain significance. Last evaluated: 2022-10-18. Review status: criteria provided, single submitter. Criteria: Invitae Variant Classification Sherloc (09022015). Collection method: clinical testing. Allele origin: germline.
Comment: In summary, the available evidence is currently insufficient to determine the role of this variant in disease. Therefore, it has been classified as a Variant of Uncertain Significance. Advanced modeling of protein sequence and biophysical properties (such as structural, functional, and spatial information, amino acid conservation, physicochemical variation, residue mobility, and thermodynamic stability) has been performed at Invitae for this missense variant, however the output from this modeling did not meet the statistical confidence thresholds required to predict the impact of this variant on DSG1 protein function. This variant has not been reported in the literature in individuals affected with DSG1-related conditions. This variant is present in population databases (no rsID available, gnomAD 0.003%). This sequence change replaces valine, which is neutral and non-polar, with alanine, which is neutral and non-polar, at codon 115 of the DSG1 protein (p.Val115Ala).

NM_001942.4(DSG1):c.344T>C (p.Val115Ala)

Gene: DSG1 (desmoglein 1; plus strand). Cytogenetic location: 18q12.1.
Variant type: single nucleotide variant.
Coding change: c.344T>C on transcript NM_001942.4 (MANE Select); coding-DNA position 344, T replaced by C.
Protein change: p.Val115Ala; replaces valine 115 with alanine.
Molecular consequence: missense variant.
Genome position (GRCh38, 1-based): chr18:31,328,316, T>C. VCF-style: chr18-31328316-T-C. GRCh37 (hg19) VCF-style: chr18-28908279-T-C.
Other names: short protein forms V115A.
Identifiers: ClinVar variation 1974257 (VCV001974257.5), dbSNP rs1477332818, ClinGen allele CA402128287.